The following is an entry in ClinVar:

ClinVar aggregate classification (germline): Uncertain significance (1 of 4 stars; one submission).

gnomAD v4.1: 2 of 1,613,174 alleles (0.00012%); highest among the groups gnomAD compares: Non-Finnish European, 0.00017%; no homozygotes.

Submission:

GeneDx
Classification: Uncertain significance. Last evaluated: 2024-02-06. Review status: criteria provided, single submitter. Criteria: GeneDx Variant Classification Process June 2021. Collection method: clinical testing. Allele origin: germline. Affected: yes.
Comment: Not observed at significant frequency in large population cohorts (gnomAD); In silico analysis supports that this missense variant does not alter protein structure/function; Has not been previously published as pathogenic or benign to our knowledge

NM_022841.7(RFX7):c.4348A>G (p.Ser1450Gly)

Gene: RFX7 (regulatory factor X7; minus strand). Cytogenetic location: 15q21.3.
Variant type: single nucleotide variant.
Coding change: c.4348A>G on transcript NM_022841.7 (MANE Select); coding-DNA position 4348, A replaced by G.
Protein change: p.Ser1450Gly; replaces serine 1450 with glycine.
Molecular consequence: missense variant. On other transcripts: intron variant (1).
Genome position (GRCh38, 1-based): chr15:56,093,380, T>C on the plus strand (A>G on the coding strand, the complement: RFX7 is on the minus strand). VCF-style: chr15-56093380-T-C. GRCh37 (hg19) VCF-style: chr15-56385578-T-C.
Other names: c.4057A>G, p.Ser1353Gly (NM_001368073.2, NM_001368074.1); c.4348A>G, p.Ser1450Gly (NM_001370561.1); c.3804+253A>G (NM_001370554.1); short protein forms S1353G, S1450G.
Identifiers: ClinVar variation 3368811 (VCV003368811.1).